The following is an entry in ClinVar:

NM_001042492.3(NF1):c.750del (p.Phe250fs)

Gene: NF1 (neurofibromin 1; plus strand). Cytogenetic location: 17q11.2.
Variant type: Deletion.
Coding change: c.750del on transcript NM_001042492.3 (MANE Select); coding-DNA position 750, one base deleted (T; older notation c.750delT).
Protein change: p.Phe250fs; shifts the reading frame from phenylalanine 250.
Molecular consequence: frameshift variant.
Genome position (GRCh38, 1-based): chr17:31,182,527, T deleted; the last of 3 consecutive T bases (chr17:31,182,525-31,182,527); deleting any one gives the same sequence. VCF-style (leftmost placement, unchanged base first): chr17-31182524-AT-A. GRCh37 (hg19) VCF-style: chr17-29509542-AT-A.
Other names: c.750delT, p.Phe250Leufs (NM_000267.4); c.750del, p.Phe250fs (NM_001128147.3); c.750delT (NM_000267.3); short protein forms F250fs.
Identifiers: ClinVar variation 567780 (VCV000567780.3), dbSNP rs1567826633, ClinGen allele CA499209126.

ClinVar aggregate classification (germline): Pathogenic (1 of 4 stars; one submission).

Conditions:
Neurofibromatosis, type 1 (NF1). Also called: VON RECKLINGHAUSEN DISEASE; NEUROFIBROMATOSIS, TYPE I, SOMATIC; Peripheral type neurofibromatosis; Neurofibromatosis, type I. Identifiers: Orphanet 636, MedGen C0027831, MONDO:0018975, OMIM 162200. Disease mechanism: loss of function.

Submission:

Labcorp Genetics (formerly Invitae), Labcorp
Classification: Pathogenic for Neurofibromatosis, type 1. Last evaluated: 2024-03-19. Review status: criteria provided, single submitter. Criteria: Invitae Variant Classification Sherloc (09022015). Collection method: clinical testing. Allele origin: germline.
Comment: This sequence change creates a premature translational stop signal (p.Phe250Leufs*31) in the NF1 gene. It is expected to result in an absent or disrupted protein product. Loss-of-function variants in NF1 are known to be pathogenic (PMID: 10712197, 23913538). This variant is not present in population databases (gnomAD no frequency). This premature translational stop signal has been observed in individuals with neurofibromatosis, type 1 (PMID: 21838856). ClinVar contains an entry for this variant (Variation ID: 567780). For these reasons, this variant has been classified as Pathogenic.

Literature cited by the submitters: PubMed 10712197; PubMed 23913538; PubMed 21838856.